The following is an entry in ClinVar:

ClinVar aggregate classification (germline): Uncertain significance (1 of 4 stars; one submission).

gnomAD v4.1: 5 of 1,614,214 alleles (0.00031%); highest among the groups gnomAD compares: South Asian, 0.0022%; no homozygotes.

Submission:

Labcorp Genetics (formerly Invitae), Labcorp
Classification: Uncertain significance. Last evaluated: 2024-12-10. Review status: criteria provided, single submitter. Criteria: Invitae Variant Classification Sherloc (09022015). Collection method: clinical testing. Allele origin: germline.
Comment: This sequence change replaces alanine, which is neutral and non-polar, with threonine, which is neutral and polar, at codon 624 of the ALPK1 protein (p.Ala624Thr). This variant is present in population databases (rs746462896, gnomAD 0.003%). This variant has not been reported in the literature in individuals affected with ALPK1-related conditions. Invitae Evidence Modeling of protein sequence and biophysical properties (such as structural, functional, and spatial information, amino acid conservation, physicochemical variation, residue mobility, and thermodynamic stability) indicates that this missense variant is not expected to disrupt ALPK1 protein function with a negative predictive value of 80%. In summary, the available evidence is currently insufficient to determine the role of this variant in disease. Therefore, it has been classified as a Variant of Uncertain Significance.

NM_025144.4(ALPK1):c.1870G>A (p.Ala624Thr)

Gene: ALPK1 (alpha kinase 1; plus strand). Cytogenetic location: 4q25.
Variant type: single nucleotide variant.
Coding change: c.1870G>A on transcript NM_025144.4 (MANE Select); coding-DNA position 1870, G replaced by A.
Protein change: p.Ala624Thr; replaces alanine 624 with threonine.
Molecular consequence: missense variant.
Genome position (GRCh38, 1-based): chr4:112,431,417, G>A. VCF-style: chr4-112431417-G-A. GRCh37 (hg19) VCF-style: chr4-113352573-G-A.
Other names: c.1870G>A, p.Ala624Thr (NM_001102406.2); c.1636G>A, p.Ala546Thr (NM_001253884.2); short protein forms A624T, A546T.
Identifiers: ClinVar variation 3678004 (VCV003678004.2).
Genomic context (GRCh38, chr4:112,431,417, plus strand): 5'-GACAGGTCAGCCAGAAAAGAGCCTGGCAAAGAACATCTGGTGGACACTCAGTGTTCCACT[G>A]CCTTGTCTGAGGAGCTAGAGAATGACAGGGAAGGCAGAGCTATGCATTCATTGCATTCAC-3'
Protein context (NP_079420.3, residues 614-634): EHLVDTQCST[Ala624Thr]LSEELENDRE